The following is an entry in ClinVar:

NM_006516.4(SLC2A1):c.275+17C>T

Gene: SLC2A1 (solute carrier family 2 member 1; minus strand). Cytogenetic location: 1p34.2.
Variant type: single nucleotide variant.
Coding change: c.275+17C>T on transcript NM_006516.4 (MANE Select); 17 bases into the intron after coding-DNA position 275, C replaced by T.
Molecular consequence: intron variant.
Genome position (GRCh38, 1-based): chr1:42,931,029, G>A on the plus strand (C>T on the coding strand, the complement: SLC2A1 is on the minus strand). VCF-style: chr1-42931029-G-A. GRCh37 (hg19) VCF-style: chr1-43396700-G-A.
Identifiers: ClinVar variation 384500 (VCV000384500.10), dbSNP rs761669510, ClinGen allele CA803586.

ClinVar aggregate classification (germline): Benign/Likely benign. Review status: criteria provided, multiple submitters, no conflicts (2 of 4 stars). 8 submissions from 4 submitters: Benign (6); Likely benign (2). Last evaluated 2026-02-02.

Conditions:
Encephalopathy due to GLUT1 deficiency. Also called: GLUT1 deficiency syndrome 1; De Vivo disease; Glucose transporter protein syndrome; Classic Glucose Transporter Type 1 Deficiency Syndrome; GLUCOSE TRANSPORT DEFECT, BLOOD-BRAIN BARRIER; GLUT1 deficiency syndrome 1, infantile onset, severe. Identifiers: Orphanet 71277, MedGen C4551966, MONDO:0011724, OMIM 606777.
GLUT1 deficiency syndrome 1, autosomal recessive. Identifiers: MedGen C3149117.
Dystonia 9 (DYT9). Also called: CHOREOATHETOSIS, KINESIGENIC, WITH EPISODIC ATAXIA AND SPASTICITY. Identifiers: Orphanet 53583, MedGen C1832855, MONDO:0010983, OMIM 601042.
Epilepsy, idiopathic generalized, susceptibility to, 12 (EIG12). Identifiers: MedGen C3553859, MONDO:0013919, OMIM 614847.
Hereditary cryohydrocytosis with reduced stomatin. Also called: Stomatin-deficient cryohydrocytosis with neurologic defects; GLUT1 DEFICIENCY SYNDROME WITH PSEUDOHYPERKALEMIA AND HEMOLYSIS. Identifiers: Orphanet 168577, MedGen C1837206, MONDO:0012143, OMIM 608885.
Childhood onset GLUT1 deficiency syndrome 2. Also called: Paroxysmal exercise-induced dystonia; GLUT1 deficiency syndrome 2; PAROXYSMAL EXERCISE-INDUCED DYSKINESIA WITH OR WITHOUT EPILEPSY AND/OR HEMOLYTIC ANEMIA; PAROXYSMAL EXERTION-INDUCED DYSTONIA WITH OR WITHOUT EPILEPSY AND/OR HEMOLYTIC ANEMIA; PED WITH OR WITHOUT EPILEPSY AND/OR HEMOLYTIC ANEMIA; Exertion-induced paroxysmal dyskinesia. Identifiers: Orphanet 98811, MedGen C1842534, MONDO:0012805, OMIM 612126.

Allele frequency attached by ClinVar (database versions not stated): TOPMed 0.00002; gnomAD exomes 0.00027 and 0.00069; ExAC 0.00045; gnomAD 0.00057 and 0.00061.
gnomAD v4.1: 475 of 1,613,750 alleles (0.029%); highest among the groups gnomAD compares: Non-Finnish European, 0.00068%; 2 homozygotes.

Submissions (8):

Labcorp Genetics (formerly Invitae), Labcorp
Classification: Benign for GLUT1 deficiency syndrome 1, autosomal recessive. Last evaluated: 2026-02-02. Review status: criteria provided, single submitter. Criteria: Invitae Variant Classification Sherloc (09022015). Collection method: clinical testing. Allele origin: germline.

Blueprint Genetics
Classification: Likely benign. Last evaluated: 2024-09-11. Review status: criteria provided, single submitter. Criteria: ACMG Guidelines, 2015. Collection method: clinical testing. Allele origin: germline.

Genome-Nilou Lab
Classification: Benign for Epilepsy, idiopathic generalized, susceptibility to, 12. Last evaluated: 2023-04-11. Review status: criteria provided, single submitter. Criteria: ACMG Guidelines, 2015. Collection method: clinical testing. Allele origin: germline. Affected: no.

Genome-Nilou Lab
Classification: Benign for Dystonia 9. Last evaluated: 2023-04-11. Review status: criteria provided, single submitter. Criteria: ACMG Guidelines, 2015. Collection method: clinical testing. Allele origin: germline. Affected: no.

Genome-Nilou Lab
Classification: Benign for Encephalopathy due to GLUT1 deficiency. Last evaluated: 2023-04-11. Review status: criteria provided, single submitter. Criteria: ACMG Guidelines, 2015. Collection method: clinical testing. Allele origin: germline. Affected: no.

Genome-Nilou Lab
Classification: Benign for Childhood onset GLUT1 deficiency syndrome 2. Last evaluated: 2023-04-11. Review status: criteria provided, single submitter. Criteria: ACMG Guidelines, 2015. Collection method: clinical testing. Allele origin: germline. Affected: no.

Genome-Nilou Lab
Classification: Benign for Hereditary cryohydrocytosis with reduced stomatin. Last evaluated: 2023-04-11. Review status: criteria provided, single submitter. Criteria: ACMG Guidelines, 2015. Collection method: clinical testing. Allele origin: germline. Affected: no.

GeneDx
Classification: Likely benign. Last evaluated: 2016-03-14. Review status: criteria provided, single submitter. Criteria: GeneDx Variant Classification (06012015). Collection method: clinical testing. Allele origin: germline. Affected: yes.
Comment: This variant is considered likely benign or benign based on one or more of the following criteria: it is a conservative change, it occurs at a poorly conserved position in the protein, it is predicted to be benign by multiple in silico algorithms, and/or has population frequency not consistent with disease.